The following is an entry in ClinVar:

NM_001142800.2(EYS):c.2822G>T (p.Gly941Val)

Gene: EYS (EGF-like photoreceptor maintenance factor; minus strand). Cytogenetic location: 6q12.
Variant type: single nucleotide variant.
Coding change: c.2822G>T on transcript NM_001142800.2 (MANE Select); coding-DNA position 2822, G replaced by T.
Protein change: p.Gly941Val; replaces glycine 941 with valine.
Molecular consequence: missense variant.
Genome position (GRCh38, 1-based): chr6:64,902,137, C>A on the plus strand (G>T on the coding strand, the complement: EYS is on the minus strand). VCF-style: chr6-64902137-C-A. GRCh37 (hg19) VCF-style: chr6-65612030-C-A.
Other names: c.2822G>T, p.Gly941Val (NM_001292009.2); short protein forms G941V.
Identifiers: ClinVar variation 357723 (VCV000357723.16), dbSNP rs749101387, ClinGen allele CA3877248.

ClinVar aggregate classification (germline): Uncertain significance. Review status: criteria provided, multiple submitters, no conflicts (2 of 4 stars). 6 submissions from 6 submitters: Uncertain significance (5). 1 of the submissions does not count toward it. Last evaluated 2025-09-28.

Conditions:
Inborn genetic diseases. Identifiers: MedGen C0950123, MeSH D030342.
Retinitis pigmentosa 25 (RP25). Identifiers: Orphanet 791, MedGen C1864446, MONDO:0011272, OMIM 602772.
EYS-related disorder. Also called: EYS-related condition.
Retinitis pigmentosa (RP). Identifiers: Orphanet 791, MedGen C0035334, MeSH D012174, MONDO:0019200, OMIM 268000. Inheritance: Autosomal dominant, autosomal recessive and X linked inheritance.

Allele frequency attached by ClinVar (database versions not stated): gnomAD exomes 0.00006; ExAC 0.00009; TOPMed 0.00020; gnomAD 0.00028 and 0.00031.
gnomAD v4.1: 94 of 1,547,214 alleles (0.0061%); highest among the groups gnomAD compares: African/African-American, 0.082%; no homozygotes.

Submissions (6):

Ambry Genetics
Classification: Uncertain significance for Inborn genetic diseases. Last evaluated: 2025-09-28. Review status: criteria provided, single submitter. Criteria: Ambry Variant Classification Scheme 2023. Collection method: clinical testing. Allele origin: germline.

PreventionGenetics, part of Exact Sciences
Classification: Uncertain significance for EYS-related condition. Last evaluated: 2025-07-17. Review status: criteria provided, single submitter. Criteria: ACMG Guidelines, 2015. Collection method: clinical testing. Allele origin: germline.
Comment: The EYS c.2822G>T variant is predicted to result in the amino acid substitution p.Gly941Val. To our knowledge, this variant has not been reported in the literature. This variant is reported in 0.078% of alleles in individuals of African descent in gnomAD. Although we suspect that this variant may be benign, at this time, the clinical significance of this variant is uncertain due to the absence of conclusive functional and genetic evidence.

Blueprint Genetics
Classification: Uncertain significance. Last evaluated: 2024-11-19. Review status: criteria provided, single submitter. Criteria: ACMG Guidelines, 2015. Collection method: clinical testing. Allele origin: germline.

Labcorp Genetics (formerly Invitae), Labcorp
Classification: Uncertain significance. Last evaluated: 2024-10-24. Review status: criteria provided, single submitter. Criteria: Invitae Variant Classification Sherloc (09022015). Collection method: clinical testing. Allele origin: germline.
Comment: This sequence change replaces glycine, which is neutral and non-polar, with valine, which is neutral and non-polar, at codon 941 of the EYS protein (p.Gly941Val). This variant is present in population databases (rs749101387, gnomAD 0.09%). This variant has not been reported in the literature in individuals affected with EYS-related conditions. ClinVar contains an entry for this variant (Variation ID: 357723). Invitae Evidence Modeling of protein sequence and biophysical properties (such as structural, functional, and spatial information, amino acid conservation, physicochemical variation, residue mobility, and thermodynamic stability) indicates that this missense variant is expected to disrupt EYS protein function with a positive predictive value of 80%. In summary, the available evidence is currently insufficient to determine the role of this variant in disease. Therefore, it has been classified as a Variant of Uncertain Significance.

Illumina Laboratory Services, Illumina
Classification: Uncertain significance for Retinitis pigmentosa. Last evaluated: 2018-01-13. Review status: criteria provided, single submitter. Criteria: ICSL Variant Classification Criteria 13 December 2019. Collection method: clinical testing. Allele origin: germline.

Natera, Inc.
Classification: Uncertain significance for Retinitis pigmentosa type 25. Last evaluated: 2020-08-18. Review status: no assertion criteria provided. Collection method: clinical testing. Allele origin: germline. Not counted in ClinVar's aggregate classification.